The following is an entry in ClinVar:

NM_001127671.2(LIFR):c.853A>G (p.Thr285Ala)

Gene: LIFR (LIF receptor subunit alpha; minus strand). Cytogenetic location: 5p13.1.
Variant type: single nucleotide variant.
Coding change: c.853A>G on transcript NM_001127671.2 (MANE Select); coding-DNA position 853, A replaced by G.
Protein change: p.Thr285Ala; replaces threonine 285 with alanine.
Molecular consequence: missense variant.
Genome position (GRCh38, 1-based): chr5:38,510,602, T>C on the plus strand (A>G on the coding strand, the complement: LIFR is on the minus strand). VCF-style: chr5-38510602-T-C. GRCh37 (hg19) VCF-style: chr5-38510704-T-C.
Other names: c.853A>G, p.Thr285Ala (NM_001364297.2, NM_001364298.2, NM_002310.6); short protein forms T285A.
Identifiers: ClinVar variation 2080213 (VCV002080213.4), dbSNP rs375264714, ClinGen allele CA3243092.

ClinVar aggregate classification (germline): Uncertain significance. Review status: criteria provided, multiple submitters, no conflicts (2 of 4 stars). 2 submissions from 2 submitters: Uncertain significance (2). Last evaluated 2024-03-01.

Conditions:
Stüve-Wiedemann syndrome 1. Also called: STUVE-WIEDEMANN/SCHWARTZ-JAMPEL TYPE 2 SYNDROME. Identifiers: Orphanet 3206, MedGen C5676888, MONDO:0800043, OMIM 601559.

Allele frequency attached by ClinVar (database versions not stated): gnomAD exomes 0.00012; ExAC 0.00006; ESP Exome Variant Server 0.00015; gnomAD 0.00008; TOPMed 0.00009.

Submissions (2):

Fulgent Genetics
Classification: Uncertain significance for Stüve-Wiedemann syndrome 1. Last evaluated: 2024-03-01. Review status: criteria provided, single submitter. Criteria: ACMG Guidelines, 2015. Collection method: clinical testing. Allele origin: germline.

Labcorp Genetics (formerly Invitae), Labcorp
Classification: Uncertain significance. Last evaluated: 2024-02-24. Review status: criteria provided, single submitter. Criteria: Invitae Variant Classification Sherloc (09022015). Collection method: clinical testing. Allele origin: germline.
Comment: This sequence change replaces threonine, which is neutral and polar, with alanine, which is neutral and non-polar, at codon 285 of the LIFR protein (p.Thr285Ala). This variant is present in population databases (rs375264714, gnomAD 0.01%). This variant has not been reported in the literature in individuals affected with LIFR-related conditions. ClinVar contains an entry for this variant (Variation ID: 2080213). Algorithms developed to predict the effect of missense changes on protein structure and function output the following: SIFT: "Not Available"; PolyPhen-2: "Benign"; Align-GVGD: "Not Available". The alanine amino acid residue is found in multiple mammalian species, which suggests that this missense change does not adversely affect protein function. In summary, the available evidence is currently insufficient to determine the role of this variant in disease. Therefore, it has been classified as a Variant of Uncertain Significance.